The following is an entry in ClinVar:

ClinVar aggregate classification (germline): Benign/Likely benign. Review status: criteria provided, multiple submitters, no conflicts (2 of 4 stars). 4 submissions from 4 submitters: Benign (1); Likely benign (3). Last evaluated 2025-10-28.

Conditions:
Hereditary leiomyomatosis and renal cell cancer. Also called: MULTIPLE CUTANEOUS AND UTERINE LEIOMYOMATA 1, WITH OR WITHOUT RENAL CELL CARCINOMA; Reed syndrome; Multiple cutaneous and uterine leiomyomatosis; Cutaneous leiomyomata with uterine leiomyomata; Leiomyoma, hereditary multiple, of skin; Multiple cutaneous and uterine leiomyomata. Identifiers: Orphanet 523, MedGen C1708350, MONDO:0007888, OMIM 150800, HP:0007437. Disease mechanism: loss of function.
Hereditary cancer-predisposing syndrome. Also called: Neoplastic Syndromes, Hereditary; Tumor predisposition; Hereditary Cancer Syndrome; Hereditary neoplastic syndrome. Identifiers: Orphanet 140162, MedGen C0027672, MeSH D009386, MONDO:0015356.

Allele frequency attached by ClinVar (database versions not stated): ExAC 0.00001; gnomAD exomes 0.00001.
gnomAD v4.1: 7 of 1,613,878 alleles (0.00043%); highest among the groups gnomAD compares: Middle Eastern, 0.082%; no homozygotes.

Submissions (4):

Labcorp Genetics (formerly Invitae), Labcorp
Classification: Likely benign. Last evaluated: 2025-10-28. Review status: criteria provided, single submitter. Criteria: Invitae Variant Classification Sherloc (09022015). Collection method: clinical testing. Allele origin: germline.

Myriad Genetics, Inc.
Classification: Benign for Hereditary leiomyomatosis and renal cell cancer. Last evaluated: 2024-10-18. Review status: criteria provided, single submitter. Criteria: Myriad Autosomal Dominant, Autosomal Recessive and X-Linked Classification Criteria (2023). Collection method: clinical testing. Allele origin: unknown.
Comment: This variant is considered benign. This variant is a silent/synonymous amino acid change and it is not expected to impact splicing.

Blueprint Genetics
Classification: Likely benign. Last evaluated: 2024-08-21. Review status: criteria provided, single submitter. Criteria: ACMG Guidelines, 2015. Collection method: clinical testing. Allele origin: germline.

Ambry Genetics
Classification: Likely benign for Hereditary cancer-predisposing syndrome. Last evaluated: 2019-11-11. Review status: criteria provided, single submitter. Criteria: Ambry Variant Classification Scheme 2023. Collection method: clinical testing. Allele origin: germline.

NM_000143.4(FH):c.765A>G (p.Val255=)

Gene: FH (fumarate hydratase; minus strand). Cytogenetic location: 1q43.
Variant type: single nucleotide variant.
Coding change: c.765A>G on transcript NM_000143.4 (MANE Select); coding-DNA position 765, A replaced by G.
Protein change: p.Val255=; no amino-acid change (valine 255 retained).
Molecular consequence: synonymous variant.
Genome position (GRCh38, 1-based): chr1:241,506,142, T>C on the plus strand (A>G on the coding strand, the complement: FH is on the minus strand). VCF-style: chr1-241506142-T-C. GRCh37 (hg19) VCF-style: chr1-241669442-T-C.
Identifiers: ClinVar variation 719688 (VCV000719688.17), dbSNP rs200965107, ClinGen allele CA1478609.